The following is an entry in ClinVar:

ClinVar aggregate classification (germline): Uncertain significance (1 of 4 stars; one submission).

Conditions:
Amyotrophic lateral sclerosis type 4 (ALS4). Also called: AMYOTROPHIC LATERAL SCLEROSIS 4, JUVENILE; NEURONOPATHY, DISTAL HEREDITARY MOTOR, WITH PYRAMIDAL FEATURES. Identifiers: Orphanet 357043, MedGen C1865409, MONDO:0011223, OMIM 602433.
Spinocerebellar ataxia, autosomal recessive, with axonal neuropathy 2 (SCAN2). Also called: Ataxia-ocular apraxia-2; Ataxia with Oculomotor Apraxia; ATAXIA-OCULOMOTOR APRAXIA 2; Ataxia with Oculomotor Apraxia Type 2. Identifiers: Orphanet 64753, MedGen C1853761, MONDO:0018996, OMIM 606002.

Submission:

Labcorp Genetics (formerly Invitae), Labcorp
Classification: Uncertain significance for Amyotrophic lateral sclerosis type 4; Spinocerebellar ataxia, autosomal recessive, with axonal neuropathy 2. Last evaluated: 2022-08-13. Review status: criteria provided, single submitter. Criteria: Invitae Variant Classification Sherloc (09022015). Collection method: clinical testing. Allele origin: germline.
Comment: This sequence change replaces glutamic acid, which is acidic and polar, with glycine, which is neutral and non-polar, at codon 1770 of the SETX protein (p.Glu1770Gly). This variant is not present in population databases (gnomAD no frequency). This variant has not been reported in the literature in individuals affected with SETX-related conditions. Advanced modeling of protein sequence and biophysical properties (such as structural, functional, and spatial information, amino acid conservation, physicochemical variation, residue mobility, and thermodynamic stability) performed at Invitae indicates that this missense variant is not expected to disrupt SETX protein function. In summary, the available evidence is currently insufficient to determine the role of this variant in disease. Therefore, it has been classified as a Variant of Uncertain Significance.

NM_015046.7(SETX):c.5309A>G (p.Glu1770Gly)

Gene: SETX (senataxin; minus strand). Cytogenetic location: 9q34.13.
Variant type: single nucleotide variant.
Coding change: c.5309A>G on transcript NM_015046.7 (MANE Select); coding-DNA position 5309, A replaced by G.
Protein change: p.Glu1770Gly; replaces glutamic acid 1770 with glycine.
Molecular consequence: missense variant.
Genome position (GRCh38, 1-based): chr9:132,311,822, T>C on the plus strand (A>G on the coding strand, the complement: SETX is on the minus strand). VCF-style: chr9-132311822-T-C. GRCh37 (hg19) VCF-style: chr9-135187209-T-C.
Other names: c.5309A>G, p.Glu1770Gly (NM_001351527.2, NM_001351528.2); short protein forms E1770G.
Identifiers: ClinVar variation 1716329 (VCV001716329.6), dbSNP rs2539022197, ClinGen allele CA375320179.
Genomic context (GRCh38, chr9:132,311,822, plus strand): 5'-AACTCCCAGTATTTTATATAATCGGCAGGAAATTTTCGTACTTGCAACTGATAGAAATTC[T>C]CTCTATTTGGAGAGTTGAGCCATTCTTGTGCCACCTATACAAAGCACAAAAGCAAATTAA-3'
Protein context (NP_055861.3, residues 1760-1780): AQEWLNSPNR[Glu1770Gly]NFYQLQVRKF